The following is an entry in ClinVar:

NM_001164508.2(NEB):c.13059+4C>T

Gene: NEB (nebulin; minus strand). Cytogenetic location: 2q23.3.
Variant type: single nucleotide variant.
Coding change: c.13059+4C>T on transcript NM_001164508.2 (MANE Select); 4 bases into the intron after coding-DNA position 13059, C replaced by T.
Molecular consequence: intron variant.
Genome position (GRCh38, 1-based): chr2:151,604,556, G>A on the plus strand (C>T on the coding strand, the complement: NEB is on the minus strand). VCF-style: chr2-151604556-G-A. GRCh37 (hg19) VCF-style: chr2-152461070-G-A.
Other names: c.11601+5253C>T (NM_004543.5); c.13059+4C>T (NM_001164507.2, NM_001271208.2).
Identifiers: ClinVar variation 465471 (VCV000465471.6), dbSNP rs1253831275, ClinGen allele CA536636628.
Genomic context (GRCh38, chr2:151,604,556, plus strand): 5'-GGAATGCACTGGATTTAAACACACAAATACACATCTCCCCGGGGTCTGGCGATAATATAC[G>A]CACATCGCTCTGCAGGTCGTAGGCTTTCTTGGCCTGGATCACATCGTTCTGATCTGGCAG-3'

ClinVar aggregate classification (germline): Uncertain significance. Review status: criteria provided, single submitter (1 of 4 stars). 2 submissions from 2 submitters: Uncertain significance (1). 1 of the submissions does not count toward it. Last evaluated 2022-03-18.

Conditions:
Nemaline myopathy 2 (NEM2). Also called: Nemaline myopathy 2, autosomal recessive. Identifiers: MedGen C1850569, MONDO:0009725, OMIM 256030.

Allele frequency attached by ClinVar (database versions not stated): gnomAD exomes 0.00005.

Submissions (2):

Labcorp Genetics (formerly Invitae), Labcorp
Classification: Uncertain significance for Nemaline myopathy 2. Last evaluated: 2022-03-18. Review status: criteria provided, single submitter. Criteria: Invitae Variant Classification Sherloc (09022015). Collection method: clinical testing. Allele origin: germline.
Comment: This variant occurs in a region of NEB (Exons 82-105) consisting of three highly homologous 8-exon repeat units (exons 82-89, exons 90-97, exons 98-105). Sequence variants in this region can be detected, but this assay cannot determine which of the three repeat units is affected, and zygosity is often ambiguous. All variants in this region are reported relative to the exon 82-89 repeat. This sequence change falls in intron 85 of the NEB gene. It does not directly change the encoded amino acid sequence of the NEB protein. It affects a nucleotide within the consensus splice site. The frequency data for this variant in the population databases (gnomAD) is considered unreliable due to the presence of homologous sequence, such as pseudogenes or paralogs, in the genome. This variant has not been reported in the literature in individuals affected with NEB-related conditions. ClinVar contains an entry for this variant (Variation ID: 465471). Variants that disrupt the consensus splice site are a relatively common cause of aberrant splicing (PMID: 17576681, 9536098). Algorithms developed to predict the effect of sequence changes on RNA splicing suggest that this variant may create or strengthen a splice site. In summary, the available evidence is currently insufficient to determine the role of this variant in disease. Therefore, it has been classified as a Variant of Uncertain Significance.

Natera, Inc.
Classification: Uncertain significance for Nemaline myopathy type 2. Last evaluated: 2019-11-11. Review status: no assertion criteria provided. Collection method: clinical testing. Allele origin: germline. Not counted in ClinVar's aggregate classification.

Literature cited by the submitters: PubMed 17576681 (cited by Labcorp Genetics (formerly Invitae), Labcorp); PubMed 9536098 (cited by Labcorp Genetics (formerly Invitae), Labcorp).